The following is an entry in ClinVar:

ClinVar aggregate classification (germline): Uncertain significance (1 of 4 stars; one submission).

Allele frequency attached by ClinVar (database versions not stated): gnomAD exomes 0.00001; gnomAD 0.00003; TOPMed 0.00003 and 0.00002; ExAC 0.00001.
gnomAD v4.1: 7 of 1,608,724 alleles (0.00044%); highest among the groups gnomAD compares: African/African-American, 0.0094%; no homozygotes.

Submission:

Laboratory for Molecular Medicine, Mass General Brigham Personalized Medicine
Classification: Uncertain significance. Last evaluated: 2014-06-05. Review status: criteria provided, single submitter. Criteria: LMM Criteria. Collection method: clinical testing. Allele origin: germline. Observed: 1 variant allele.
Comment: The Pro4016Thr variant in TTN has not been previously reported in individuals wi th cardiomyopathy or in large population studies. Computational prediction tools and conservation analysis do not provide strong support for or against an impac t to the protein. In summary, the clinical significance of the Pro4016Thr varian t is uncertain.

NM_001267550.2(TTN):c.15778C>A (p.Pro5260Thr)

Gene: TTN (titin; minus strand). Cytogenetic location: 2q31.2.
Variant type: single nucleotide variant.
Coding change: c.15778C>A on transcript NM_001267550.2 (MANE Select); coding-DNA position 15778, C replaced by A.
Protein change: p.Pro5260Thr; replaces proline 5260 with threonine.
Molecular consequence: missense variant. On other transcripts: intron variant (3).
Genome position (GRCh38, 1-based): chr2:178,733,515, G>T on the plus strand (C>A on the coding strand, the complement: TTN is on the minus strand). VCF-style: chr2-178733515-G-T. GRCh37 (hg19) VCF-style: chr2-179598242-G-T.
Other names: c.14827C>A, p.Pro4943Thr (NM_001256850.1); c.13282+4567C>A (NM_003319.4); c.13858+4567C>A (NM_133437.4); c.13657+4567C>A (NM_133432.3); c.12046C>A, p.Pro4016Thr (NM_133378.4); short protein forms P4016T, P5260T, P4943T.
Identifiers: ClinVar variation 179763 (VCV000179763.5), dbSNP rs727505108, ClinGen allele CA185090.
Genomic context (GRCh38, chr2:178,733,515, plus strand): 5'-GTGTGGCGGGATCTCCTGCTGTCACCTGGATCAGTTCTGCTCGCTCAATGATTTTGGCAG[G>T]TTCTACAATGGTATGAAATAGTTAGCACCCTAAATGCTTGTTAGGGTTTCACTTTAATTC-3'
Protein context (NP_001254479.2, residues 5250-5270): TSVGELIVKE[Pro5260Thr]AKIIERAELI